The following is an entry in ClinVar:

ClinVar aggregate classification (germline): Uncertain significance (1 of 4 stars; one submission).

gnomAD v4.1: 10 of 1,515,840 alleles (0.00066%); highest among the groups gnomAD compares: Non-Finnish European, 0.00079%; no homozygotes.

Submission:

Ambry Genetics
Classification: Uncertain significance. Last evaluated: 2025-01-10. Review status: criteria provided, single submitter. Criteria: Ambry Variant Classification Scheme 2023. Collection method: clinical testing. Allele origin: germline.
Comment: The p.W1459G variant (also known as c.4375T>G), located in coding exon 14 of the CDK12 gene, results from a T to G substitution at nucleotide position 4375. The tryptophan at codon 1459 is replaced by glycine, an amino acid with highly dissimilar properties. This amino acid position is conserved. In addition, this alteration is predicted to be deleterious by in silico analysis. Based on the available evidence, the clinical significance of this variant remains unclear.

NM_016507.4(CDK12):c.4375T>G (p.Trp1459Gly)

Gene: CDK12 (cyclin dependent kinase 12; plus strand). Cytogenetic location: 17q12.
Variant type: single nucleotide variant.
Coding change: c.4375T>G on transcript NM_016507.4 (MANE Select); coding-DNA position 4375, T replaced by G.
Protein change: p.Trp1459Gly; replaces tryptophan 1459 with glycine.
Molecular consequence: missense variant.
Genome position (GRCh38, 1-based): chr17:39,531,218, T>G. VCF-style: chr17-39531218-T-G. GRCh37 (hg19) VCF-style: chr17-37687471-T-G.
Other names: c.4348T>G, p.Trp1450Gly (NM_015083.4); short protein forms W1450G, W1459G.
Identifiers: ClinVar variation 3830478 (VCV003830478.1).